The following is an entry in ClinVar:

NM_001378454.1(ALMS1):c.286C>A (p.His96Asn)

Gene: ALMS1 (ALMS1 centrosome and basal body associated protein; plus strand). Cytogenetic location: 2p13.1.
Variant type: single nucleotide variant.
Coding change: c.286C>A on transcript NM_001378454.1 (MANE Select); coding-DNA position 286, C replaced by A.
Protein change: p.His96Asn; replaces histidine 96 with asparagine.
Molecular consequence: missense variant.
Genome position (GRCh38, 1-based): chr2:73,386,154, C>A. VCF-style: chr2-73386154-C-A. GRCh37 (hg19) VCF-style: chr2-73613282-C-A.
Other names: c.289C>A, p.His97Asn (NM_015120.4); short protein forms H96N, H97N.
Identifiers: ClinVar variation 4992869 (VCV004992869.1).

ClinVar aggregate classification (germline): Uncertain significance (1 of 4 stars; one submission).

Conditions:
ALMS1-related disorder. Also called: ALMS1-related condition.

Submission:

PreventionGenetics, part of Exact Sciences
Classification: Uncertain significance for ALMS1-related condition. Last evaluated: 2026-04-29. Review status: criteria provided, single submitter. Criteria: ACMG Guidelines, 2015. Collection method: clinical testing. Allele origin: germline.
Comment: The ALMS1 c.289C>A variant is predicted to result in the amino acid substitution p.Arg97Ser. To our knowledge, this variant has not been reported in the literature or in a large population database (gnomAD), indicating this variant is rare. At this time, the clinical significance of this variant is uncertain due to the absence of conclusive functional and genetic evidence.